The following is an entry in ClinVar:

ClinVar aggregate classification (germline): Uncertain significance. Review status: criteria provided, multiple submitters, no conflicts (2 of 4 stars). 2 submissions from 2 submitters: Uncertain significance (2). Last evaluated 2025-08-27.

Conditions:
Familial adenomatous polyposis 2. Also called: Adenomas, multiple colorectal; MUTYH Polyposis; COLORECTAL ADENOMATOUS POLYPOSIS, AUTOSOMAL RECESSIVE; ADENOMAS, MULTIPLE COLORECTAL, AUTOSOMAL RECESSIVE; FAP type 2; MUTYH-associated polyposis. Identifiers: Orphanet 220460, Orphanet 247798, MedGen C3272841, MONDO:0012041, OMIM 608456.
Hereditary cancer-predisposing syndrome. Also called: Neoplastic Syndromes, Hereditary; Hereditary Cancer Syndrome; Hereditary neoplastic syndrome; Tumor predisposition. Identifiers: Orphanet 140162, MedGen C0027672, MeSH D009386, MONDO:0015356.

Submissions (2):

Ambry Genetics
Classification: Uncertain significance for Hereditary cancer-predisposing syndrome. Last evaluated: 2025-08-27. Review status: criteria provided, single submitter. Criteria: Ambry Variant Classification Scheme 2023. Collection method: clinical testing. Allele origin: germline.
Comment: The p.I449V variant (also known as c.1345A>G), located in coding exon 14 of the MUTYH gene, results from an A to G substitution at nucleotide position 1345. The isoleucine at codon 449 is replaced by valine, an amino acid with highly similar properties. This amino acid position is conserved. In addition, the in silico prediction for this alteration is inconclusive. Based on the available evidence, the clinical significance of this variant remains unclear.

Labcorp Genetics (formerly Invitae), Labcorp
Classification: Uncertain significance for Familial adenomatous polyposis 2. Last evaluated: 2024-05-22. Review status: criteria provided, single submitter. Criteria: Invitae Variant Classification Sherloc (09022015). Collection method: clinical testing. Allele origin: germline.
Comment: This sequence change replaces isoleucine, which is neutral and non-polar, with valine, which is neutral and non-polar, at codon 449 of the MUTYH protein (p.Ile449Val). This variant is not present in population databases (gnomAD no frequency). This variant has not been reported in the literature in individuals affected with MUTYH-related conditions. ClinVar contains an entry for this variant (Variation ID: 1057542). An algorithm developed to predict the effect of missense changes on protein structure and function (PolyPhen-2) suggests that this variant is likely to be disruptive. In summary, the available evidence is currently insufficient to determine the role of this variant in disease. Therefore, it has been classified as a Variant of Uncertain Significance.

NM_001048174.2(MUTYH):c.1261A>G (p.Ile421Val)

Gene: MUTYH (mutY DNA glycosylase; minus strand). Cytogenetic location: 1p34.1.
Variant type: single nucleotide variant.
Coding change: c.1261A>G on transcript NM_001048174.2 (MANE Select); coding-DNA position 1261, A replaced by G.
Protein change: p.Ile421Val; replaces isoleucine 421 with valine.
Molecular consequence: missense variant. On other transcripts: non-coding transcript variant (2).
Genome position (GRCh38, 1-based): chr1:45,331,313, T>C on the plus strand (A>G on the coding strand, the complement: MUTYH is on the minus strand). VCF-style: chr1-45331313-T-C. GRCh37 (hg19) VCF-style: chr1-45796985-T-C.
Other names: c.1345A>G (NM_001128425.1); c.1261A>G, p.Ile421Val (NM_001048171.2, NM_001048173.2, NM_001293195.2); c.1264A>G, p.Ile422Val (NM_001048172.2); c.1345A>G, p.Ile449Val (NM_001128425.2); c.1306A>G, p.Ile436Val (NM_001293190.2); c.1294A>G, p.Ile432Val (NM_001293191.2); c.985A>G, p.Ile329Val (NM_001293192.2, NM_001293196.2); c.916A>G, p.Ile306Val (NM_001350650.2, NM_001350651.2); and 1 more; short protein forms I306V, I329V, I421V, I422V, I432V, I436V, I446V, I449V.
Identifiers: ClinVar variation 1057542 (VCV001057542.11), dbSNP rs2149114449, ClinGen allele CA340132765.